The following is an entry in ClinVar:

ClinVar aggregate classification (germline): Likely benign. Review status: criteria provided, multiple submitters, no conflicts (2 of 4 stars). 3 submissions from 3 submitters: Likely benign (3). Last evaluated 2025-08-06.

Conditions:
Cardiovascular phenotype. Identifiers: MedGen CN230736.
TNXB-related disorder. Also called: TNXB-related condition.

Allele frequency attached by ClinVar (database versions not stated): ExAC 0.00002; gnomAD exomes 0.00002.

Submissions (3):

Mayo Clinic Laboratories, Mayo Clinic
Classification: Likely benign. Last evaluated: 2025-08-06. Review status: criteria provided, single submitter. Criteria: ACMG Guidelines, 2015. Collection method: clinical testing. Allele origin: germline. Observed: 1 variant allele.
Comment: BP4, BP7, PM2_supporting

PreventionGenetics, part of Exact Sciences
Classification: Likely benign for TNXB-related condition. Last evaluated: 2024-10-29. Review status: criteria provided, single submitter. Criteria: ACMG Guidelines, 2015. Collection method: clinical testing. Allele origin: germline.
Comment: This variant is classified as likely benign based on ACMG/AMP sequence variant interpretation guidelines (Richards et al. 2015 PMID: 25741868, with internal and published modifications).

Ambry Genetics
Classification: Likely benign for Cardiovascular phenotype. Last evaluated: 2019-12-18. Review status: criteria provided, single submitter. Criteria: Ambry Variant Classification Scheme 2023. Collection method: clinical testing. Allele origin: germline.

NM_001365276.2(TNXB):c.7923T>C (p.Pro2641=)

Gene: TNXB (tenascin XB; minus strand). Cytogenetic location: 6p21.33.
Variant type: single nucleotide variant.
Coding change: c.7923T>C on transcript NM_001365276.2 (MANE Select); coding-DNA position 7923, T replaced by C.
Protein change: p.Pro2641=; no amino-acid change (proline 2641 retained).
Molecular consequence: synonymous variant.
Genome position (GRCh38, 1-based): chr6:32,056,806, A>G on the plus strand (T>C on the coding strand, the complement: TNXB is on the minus strand). VCF-style: chr6-32056806-A-G. GRCh37 (hg19) VCF-style: chr6-32024583-A-G.
Other names: p.Pro2641=; c.7923T>C, p.Pro2641= (NM_019105.8).
Identifiers: ClinVar variation 1761242 (VCV001761242.4), dbSNP rs748340354, ClinGen allele CA3734006.